The following is an entry in ClinVar:

ClinVar aggregate classification (germline): Uncertain significance (1 of 4 stars; one submission).

Allele frequency attached by ClinVar (database versions not stated): gnomAD exomes 0.00001.
gnomAD v4.1: 22 of 1,614,144 alleles (0.0014%); highest among the groups gnomAD compares: Non-Finnish European, 0.0018%; no homozygotes.

Submission:

Labcorp Genetics (formerly Invitae), Labcorp
Classification: Uncertain significance. Last evaluated: 2025-08-18. Review status: criteria provided, single submitter. Criteria: Invitae Variant Classification Sherloc (09022015). Collection method: clinical testing. Allele origin: germline.
Comment: This sequence change replaces tryptophan, which is neutral and slightly polar, with arginine, which is basic and polar, at codon 1640 of the FAT2 protein (p.Trp1640Arg). This variant is not present in population databases (gnomAD no frequency). This variant has not been reported in the literature in individuals affected with FAT2-related conditions. ClinVar contains an entry for this variant (Variation ID: 2713832). An algorithm developed to predict the effect of missense changes on protein structure and function outputs the following: PolyPhen-2: "Benign". The arginine amino acid residue is found in multiple mammalian species, which suggests that this missense change does not adversely affect protein function. In summary, the available evidence is currently insufficient to determine the role of this variant in disease. Therefore, it has been classified as a Variant of Uncertain Significance.

NM_001447.3(FAT2):c.4918T>C (p.Trp1640Arg)

Genes: FAT2 (FAT atypical cadherin 2; minus strand), SLC36A1 (solute carrier family 36 member 1; plus strand). Cytogenetic location: 5q33.1.
Variant type: single nucleotide variant.
Coding change: c.4918T>C on transcript NM_001447.3 (MANE Select); coding-DNA position 4918, T replaced by C.
Protein change: p.Trp1640Arg; replaces tryptophan 1640 with arginine.
Molecular consequence: missense variant.
Genome position (GRCh38, 1-based): chr5:151,546,209, A>G on the plus strand (T>C on the coding strand, the complement: FAT2 is on the minus strand). VCF-style: chr5-151546209-A-G. GRCh37 (hg19) VCF-style: chr5-150925770-A-G.
Other names: short protein forms W1640R.
Identifiers: ClinVar variation 2713832 (VCV002713832.3), dbSNP rs761750752, ClinGen allele CA129961710.